The following is an entry in ClinVar:

ClinVar aggregate classification (germline): Uncertain significance (1 of 4 stars; one submission).

Conditions:
DMXL2-related disorder. Also called: DMXL2-related condition.

gnomAD v4.1: 1 of 1,613,562 alleles (0.000062%); highest among the groups gnomAD compares: Non-Finnish European, 0.000085%; no homozygotes.

Submission:

PreventionGenetics, part of Exact Sciences
Classification: Uncertain significance for DMXL2-related condition. Last evaluated: 2026-07-08. Review status: criteria provided, single submitter. Criteria: ACMG Guidelines, 2015. Collection method: clinical testing. Allele origin: germline.
Comment: The DMXL2 c.8559T>G variant is predicted to result in the amino acid substitution p.Ser2853Arg. To our knowledge, this variant has not been reported in the literature or in a large population database (gnomAD), indicating this variant is rare. At this time, the clinical significance of this variant is uncertain due to the absence of conclusive functional and genetic evidence.

NM_001378457.1(DMXL2):c.8622T>G (p.Ser2874Arg)

Gene: DMXL2 (Dmx like 2; minus strand). Cytogenetic location: 15q21.2.
Variant type: single nucleotide variant.
Coding change: c.8622T>G on transcript NM_001378457.1 (MANE Select); coding-DNA position 8622, T replaced by G.
Protein change: p.Ser2874Arg; replaces serine 2874 with arginine.
Molecular consequence: missense variant. On other transcripts: non-coding transcript variant (1).
Genome position (GRCh38, 1-based): chr15:51,453,624, A>C on the plus strand (T>G on the coding strand, the complement: DMXL2 is on the minus strand). VCF-style: chr15-51453624-A-C. GRCh37 (hg19) VCF-style: chr15-51745821-A-C.
Other names: c.8559T>G, p.Ser2853Arg (NM_001174116.3); c.6648T>G, p.Ser2216Arg (NM_001174117.3); c.8619T>G, p.Ser2873Arg (NM_001378458.1); c.8334T>G, p.Ser2778Arg (NM_001378459.1); c.6537T>G, p.Ser2179Arg (NM_001378460.1); c.8556T>G, p.Ser2852Arg (NM_015263.5); short protein forms S2853R, S2778R, S2216R, S2179R, S2852R, S2873R, S2874R.
Identifiers: ClinVar variation 4989211 (VCV004989211.1).
Genomic context (GRCh38, chr15:51,453,624, plus strand): 5'-GTGTCCAGATGTGGCAACTAGACTTGAAGAGGTAATAAATGCAAAGTCACTTGTGGCTTT[A>C]CTGTGGCACTGCCAACTCTACGAAAAACAAAGTGCAACTGATGTTATTTTACCATTGGAT-3'
Protein context (NP_001365386.1, residues 2864-2884): PKPYMSWQCH[Ser2874Arg]KATSDFAFIT